The following is an entry in ClinVar:

ClinVar aggregate classification (germline): Pathogenic/Likely pathogenic. Review status: criteria provided, multiple submitters, no conflicts (2 of 4 stars). 7 submissions from 7 submitters: Pathogenic (2); Likely pathogenic (4). 1 of the submissions does not count toward it. Last evaluated 2025-08-10.

Conditions:
VPS13B-related disorder. Also called: VPS13B-related condition.
Inborn genetic diseases. Identifiers: MedGen C0950123, MeSH D030342.
Cohen syndrome (COH1). Also called: PEPPER SYNDROME; Cutis verticis gyrata, retinitis pigmentosa, and sensorineural deafness. Identifiers: Orphanet 193, MedGen C0265223, MONDO:0008999, OMIM 216550.

Submissions (7):

Natera, Inc.
Classification: Likely pathogenic for Cohen syndrome. Last evaluated: 2025-08-10. Review status: criteria provided, single submitter. Criteria: Natera Variant Classification Schema (03/2026). Collection method: clinical testing. Allele origin: germline.
Comment: The c.4289dupT variant in VPS13B is a frameshift variant predicted to shift the reading frame beginning at codon 1431 and leads to a stop codon 40 codons downstream. This variant is expected to result in nonsense mediated decay, truncation, or a dysfunctional protein product. This variant is rare in the general population with a frequency below the threshold expected for the associated phenotype(s). Given the available evidence, this variant is classified as Likely Pathogenic.

Fulgent Genetics
Classification: Likely pathogenic for Cohen syndrome. Last evaluated: 2024-04-23. Review status: criteria provided, single submitter. Criteria: ACMG Guidelines, 2015. Collection method: clinical testing. Allele origin: germline.

Labcorp Genetics (formerly Invitae), Labcorp
Classification: Pathogenic for Cohen syndrome. Last evaluated: 2024-03-11. Review status: criteria provided, single submitter. Criteria: Invitae Variant Classification Sherloc (09022015). Collection method: clinical testing. Allele origin: germline.
Comment: This sequence change creates a premature translational stop signal (p.Phe1431Leufs*40) in the VPS13B gene. It is expected to result in an absent or disrupted protein product. Loss-of-function variants in VPS13B are known to be pathogenic (PMID: 15141358, 16648375, 20461111). This variant is present in population databases (no rsID available, gnomAD 0.03%). This variant has not been reported in the literature in individuals affected with VPS13B-related conditions. ClinVar contains an entry for this variant (Variation ID: 556421). Algorithms developed to predict the effect of sequence changes on RNA splicing suggest that this variant may disrupt the consensus splice site. For these reasons, this variant has been classified as Pathogenic.

Women's Health and Genetics/Laboratory Corporation of America, LabCorp
Classification: Likely pathogenic for Cohen syndrome. Last evaluated: 2022-12-02. Review status: criteria provided, single submitter. Criteria: LabCorp Variant Classification Summary - May 2015. Collection method: clinical testing. Allele origin: germline.
Comment: Variant summary: VPS13B c.4289dupT (p.Phe1431LeufsX40) results in a premature termination codon, predicted to cause a truncation of the encoded protein or absence of the protein due to nonsense mediated decay, which are commonly known mechanisms for disease. This frameshift variant is located in exon 28, however in the literature an alternative exon (exon 28b) is described as the one which is included in the major, ubiquitously expressed transcript (NM_152564), whereas the transcript containing exon 28 (NM_017890) is reported as expressed mostly in the brain and retina (see e.g. PMIDs: 12730828, 19006247, 35690661). Truncations downstream of this position have been reported in affected individuals (HGMD). The variant was absent in 251300 control chromosomes (gnomAD). To our knowledge, no occurrence of c.4289dupT in individuals affected with Cohen Syndrome and no experimental evidence demonstrating its impact on protein function have been reported. Three clinical diagnostic laboratories have submitted clinical-significance assessments for this variant to ClinVar after 2014 without evidence for independent evaluation; two labs cited the variant as likely pathogenic, and one lab cited the variant as uncertain significance. Based on the evidence outlined above, the variant was classified as likely pathogenic.

Blueprint Genetics
Classification: Likely pathogenic for VPS13B-related disorders. Last evaluated: 2022-09-26. Review status: criteria provided, single submitter. Criteria: ACMG Guidelines, 2015. Collection method: clinical testing. Allele origin: germline. Affected: yes. Observed: 1 variant allele.

Ambry Genetics
Classification: Pathogenic for Inborn genetic diseases. Last evaluated: 2018-01-19. Review status: criteria provided, single submitter. Criteria: Ambry Variant Classification Scheme 2023. Collection method: clinical testing. Allele origin: germline.
Comment: The c.4289dupT pathogenic mutation, located in coding exon 27 of the VPS13B gene, results from a duplication of T at nucleotide position 4289, causing a translational frameshift with a predicted alternate stop codon (p.F1431Lfs*40). This alteration is expected to result in loss of function by premature protein truncation or nonsense-mediated mRNA decay. As such, this alteration is interpreted as a disease-causing mutation.

Counsyl
Classification: Uncertain significance for Cohen syndrome. Last evaluated: 2018-02-05. Review status: no assertion criteria provided. Collection method: clinical testing. Allele origin: unknown. Not counted in ClinVar's aggregate classification.

Literature cited by the submitters: PubMed 15141358 (cited by Labcorp Genetics (formerly Invitae), Labcorp); PubMed 16648375 (cited by Labcorp Genetics (formerly Invitae), Labcorp); PubMed 20461111 (cited by Labcorp Genetics (formerly Invitae), Labcorp).

NM_017890.5(VPS13B):c.4289dup (p.Phe1431fs)

Gene: VPS13B (vacuolar protein sorting 13 homolog B; plus strand). Cytogenetic location: 8q22.2.
Variant type: Duplication.
Coding change: c.4289dup on transcript NM_017890.5 (MANE Plus Clinical); coding-DNA position 4289, one base duplicated (T; older notation c.4289dupT).
Protein change: p.Phe1431fs; shifts the reading frame from phenylalanine 1431.
Molecular consequence: frameshift variant. On other transcripts: intron variant (1).
Genome position (GRCh38, 1-based): chr8:99,507,901, T duplicated; the last of 2 consecutive T bases (chr8:99,507,900-99,507,901); duplicating either gives the same sequence. VCF-style (leftmost placement, unchanged base first): chr8-99507899-C-CT. GRCh37 (hg19) VCF-style: chr8-100520127-C-CT.
Other names: c.4289dupT (NM_017890.4); c.4289dup (NM_017890.4); c.4224+698dup (NM_152564.5); short protein forms F1431fs.
Identifiers: ClinVar variation 556421 (VCV000556421.16), dbSNP rs1427643616, ClinGen allele CA583875637.